The following is an entry in ClinVar:

ClinVar aggregate classification (germline): Conflicting classifications of pathogenicity. Review status: criteria provided, conflicting classifications (1 of 4 stars). 2 submissions from 2 submitters: Uncertain significance (1); Likely benign (1). Last evaluated 2025-03-23.

Conditions:
Cardiovascular phenotype. Identifiers: MedGen CN230736.
Osteogenesis imperfecta type I (OI1). Also called: Osteogenesis imperfecta type 1; Classic Non-deforming Osteogenesis Imperfecta with Blue Sclerae; OI, TYPE I; OSTEOGENESIS IMPERFECTA TARDA; OSTEOGENESIS IMPERFECTA WITH BLUE SCLERAE; Lobstein's Disease. Identifiers: Orphanet 216796, Orphanet 666, MedGen C0023931, MONDO:0008146, OMIM 166200. Disease mechanism: loss of function.

Allele frequency attached by ClinVar (database versions not stated): ExAC 0.00002; TOPMed 0.00002; gnomAD 0.00003.
gnomAD v4.1: 7 of 1,613,916 alleles (0.00043%); highest among the groups gnomAD compares: African/African-American, 0.0067%; no homozygotes.

Submissions (2):

Labcorp Genetics (formerly Invitae), Labcorp
Classification: Likely benign for Osteogenesis imperfecta type I. Last evaluated: 2025-03-23. Review status: criteria provided, single submitter. Criteria: Invitae Variant Classification Sherloc (09022015). Collection method: clinical testing. Allele origin: germline.

Ambry Genetics
Classification: Uncertain significance for Cardiovascular phenotype. Last evaluated: 2025-01-03. Review status: criteria provided, single submitter. Criteria: Ambry Variant Classification Scheme 2023. Collection method: clinical testing. Allele origin: germline.
Comment: The p.P333S variant (also known as c.997C>T), located in coding exon 15 of the COL1A1 gene, results from a C to T substitution at nucleotide position 997. The proline at codon 333 is replaced by serine, an amino acid with similar properties. This amino acid position is highly conserved in available vertebrate species. In addition, the in silico prediction for this alteration is inconclusive. Based on the available evidence, the clinical significance of this variant remains unclear.

NM_000088.4(COL1A1):c.997C>T (p.Pro333Ser)

Gene: COL1A1 (collagen type I alpha 1 chain; minus strand). Cytogenetic location: 17q21.33.
Variant type: single nucleotide variant.
Coding change: c.997C>T on transcript NM_000088.4 (MANE Select); coding-DNA position 997, C replaced by T.
Protein change: p.Pro333Ser; replaces proline 333 with serine.
Molecular consequence: missense variant.
Genome position (GRCh38, 1-based): chr17:50,196,160, G>A on the plus strand (C>T on the coding strand, the complement: COL1A1 is on the minus strand). VCF-style: chr17-50196160-G-A. GRCh37 (hg19) VCF-style: chr17-48273521-G-A.
Other names: short protein forms P333S.
Identifiers: ClinVar variation 2071359 (VCV002071359.5), dbSNP rs764594515, ClinGen allele CA8645453.